The following is an entry in ClinVar:

NM_013372.7(GREM1):c.127G>A (p.Asp43Asn)

Gene: GREM1 (gremlin 1, DAN family BMP antagonist; plus strand). Cytogenetic location: 15q13.3.
Variant type: single nucleotide variant.
Coding change: c.127G>A on transcript NM_013372.7 (MANE Select); coding-DNA position 127, G replaced by A.
Protein change: p.Asp43Asn; replaces aspartic acid 43 with asparagine.
Molecular consequence: missense variant. On other transcripts: intron variant (2).
Genome position (GRCh38, 1-based): chr15:32,730,817, G>A. VCF-style: chr15-32730817-G-A. GRCh37 (hg19) VCF-style: chr15-33023018-G-A.
Other names: c.127G>A, p.Asp43Asn (NM_001368719.1); c.114+13G>A (NM_001191323.2); c.27+100G>A (NM_001191322.2); short protein forms D43N.
Identifiers: ClinVar variation 2562303 (VCV002562303.2), dbSNP rs769422903, ClinGen allele CA7456112.
Genomic context (GRCh38, chr15:32,730,817, plus strand): 5'-GAAGGGAAAAAGAAAGGGTCCCAAGGTGCCATCCCCCCGCCAGACAAGGCCCAGCACAAT[G>A]ACTCAGAGCAGACTCAGTCGCCCCAGCAGCCTGGCTCCAGGAACCGGGGGCGGGGCCAAG-3'
Protein context (NP_037504.1, residues 33-53): IPPPDKAQHN[Asp43Asn]SEQTQSPQQP

ClinVar aggregate classification (germline): Uncertain significance (1 of 4 stars; one submission).

Conditions:
Hereditary cancer-predisposing syndrome. Also called: Neoplastic Syndromes, Hereditary; Hereditary Cancer Syndrome; Hereditary neoplastic syndrome; Tumor predisposition. Identifiers: Orphanet 140162, MedGen C0027672, MeSH D009386, MONDO:0015356.

Allele frequency attached by ClinVar (database versions not stated): ExAC 0.00001; gnomAD 0.00001; TOPMed 0.00001.

Submission:

Ambry Genetics
Classification: Uncertain significance for Hereditary cancer-predisposing syndrome. Last evaluated: 2023-05-31. Review status: criteria provided, single submitter. Criteria: Ambry Variant Classification Scheme 2023. Collection method: clinical testing. Allele origin: germline.
Comment: The p.D43N variant (also known as c.127G>A), located in coding exon 1 of the GREM1 gene, results from a G to A substitution at nucleotide position 127. The aspartic acid at codon 43 is replaced by asparagine, an amino acid with highly similar properties. This amino acid position is conserved. In addition, this alteration is predicted to be tolerated by in silico analysis. Since supporting evidence is limited at this time, the clinical significance of this alteration remains unclear.